The following is an entry in ClinVar:

NM_000098.3(CPT2):c.725dup (p.His242fs)

Gene: CPT2 (carnitine palmitoyltransferase 2; plus strand). Cytogenetic location: 1p32.3.
Variant type: Duplication.
Coding change: c.725dup on transcript NM_000098.3 (MANE Select); coding-DNA position 725, one base duplicated (A; older notation c.725dupA).
Protein change: p.His242fs; shifts the reading frame from histidine 242.
Molecular consequence: frameshift variant.
Genome position (GRCh38, 1-based): chr1:53,210,399, A duplicated. VCF-style (leftmost placement, unchanged base first): chr1-53210398-C-CA. GRCh37 (hg19) VCF-style: chr1-53676070-C-CA.
Other names: c.725dup, p.His242fs (NM_001330589.2); short protein forms H242fs.
Identifiers: ClinVar variation 2680947 (VCV002680947.2), dbSNP rs2525587684, ClinGen allele CA2695198032.

ClinVar aggregate classification (germline): Likely pathogenic. Review status: criteria provided, multiple submitters, no conflicts (2 of 4 stars). 2 submissions from 2 submitters: Likely pathogenic (2). Last evaluated 2026-02-13.

Conditions:
Encephalopathy, acute, infection-induced, susceptibility to, 4. Identifiers: Orphanet 263524, MedGen C3280160, MONDO:0013633, OMIM 614212.
Carnitine palmitoyl transferase II deficiency, neonatal form. Also called: Carnitine palmitoyltransferase II deficiency, lethal neonatal; CARNITINE PALMITOYLTRANSFERASE II DEFICIENCY, ANTENATAL; CARNITINE PALMITOYLTRANSFERASE II DEFICIENCY, NEONATAL; CPT II DEFICIENCY, LETHAL NEONATAL; CPT2 DEFICIENCY, LETHAL NEONATAL. Identifiers: Orphanet 228308, MedGen C1833518, MONDO:0012136, OMIM 608836.

Submissions (2):

OLLIN Analises Genomicas, OLLIN
Classification: Likely pathogenic for Carnitine palmitoyl transferase II deficiency, neonatal form. Last evaluated: 2026-02-13. Review status: criteria provided, single submitter. Criteria: ACMG Guidelines 2015 PMID 25741868. Collection method: clinical testing. Allele origin: germline. Observed: 1 variant allele.
Comment: PVS1, PM2_P

Baylor Genetics
Classification: Likely pathogenic for Encephalopathy, acute, infection-induced, susceptibility to, 4. Last evaluated: 2022-12-17. Review status: criteria provided, single submitter. Criteria: ACMG Guidelines, 2015. Collection method: clinical testing. Allele origin: unknown.